The following is an entry in ClinVar:

ClinVar aggregate classification (germline): Likely pathogenic (1 of 4 stars; one submission).

Conditions:
Asphyxiating thoracic dystrophy 3. Also called: Saldino-Noonan Syndrome; SHORT-RIB THORACIC DYSPLASIA 3 WITH OR WITHOUT POLYDACTYLY; POLYDACTYLY WITH NEONATAL CHONDRODYSTROPHY, TYPE I; SHORT-RIB THORACIC DYSPLASIA 3/6 WITH POLYDACTYLY, DIGENIC; Short rib polydactyly syndrome 2B. Identifiers: Orphanet 474, Orphanet 93269, Orphanet 93270, Orphanet 93271, MedGen C0036069, MONDO:0013127, OMIM 613091.

Submission:

UNC Molecular Genetics  Laboratory, University of North Carolina at Chapel Hill
Classification: Likely pathogenic for Short-rib thoracic dysplasia 3 with or without polydactyly. Review status: criteria provided, single submitter. Criteria: ACMG Guidelines, 2015. Collection method: research. Allele origin: germline. Affected: no. Observed: 1 variant allele. Study: NSIGHT-NC NEXUS.
Comment: The DYNC2H1 c.8283delT (p.F2761Lfs) variant is a frameshift single nucleotide deletion, which may result in a nonfunctional DYNC2H1 protein. To our knowledge, this variant has not been described in the literature.

carrier finding

NM_001377.3(DYNC2H1):c.8283del (p.Phe2761fs)

Gene: DYNC2H1 (dynein cytoplasmic 2 heavy chain 1; plus strand). Cytogenetic location: 11q22.3.
Variant type: Deletion.
Coding change: c.8283del on transcript NM_001377.3 (MANE Select); coding-DNA position 8283, one base deleted (T; older notation c.8283delT).
Protein change: p.Phe2761fs; shifts the reading frame from phenylalanine 2761.
Molecular consequence: frameshift variant.
Genome position (GRCh38, 1-based): chr11:103,203,748, T deleted; the last of 7 consecutive T bases (chr11:103,203,742-103,203,748); deleting any one gives the same sequence. VCF-style (leftmost placement, unchanged base first): chr11-103203741-GT-G. GRCh37 (hg19) VCF-style: chr11-103074470-GT-G.
Other names: c.8283del, p.Phe2761fs (NM_001080463.2); short protein forms F2761fs.
Identifiers: ClinVar variation 873461 (VCV000873461.1), dbSNP rs1862810311, ClinGen allele CA601231441.
Genomic context (GRCh38, chr11:103,203,741, plus strand): 5'-ATACTCTTGAAGAATTAGAGCCCTTGCTGTTACCACTTAAGGATCAAGCTTCACAAGATG[GT>G]TTTTTTGGACCAGTCTTCAATTACTTCACATATAGTAAGTGACATAGAATTCATTAATCA-3'